The following is an entry in ClinVar:

ClinVar aggregate classification (germline): Pathogenic (1 of 4 stars; one submission).

Conditions:
Baller-Gerold syndrome (BGS). Also called: CRANIOSYNOSTOSIS WITH RADIAL DEFECTS. Identifiers: Orphanet 1225, MedGen C0265308, MONDO:0009039, OMIM 218600.

Submission:

Labcorp Genetics (formerly Invitae), Labcorp
Classification: Pathogenic for Baller-Gerold syndrome. Last evaluated: 2024-09-15. Review status: criteria provided, single submitter. Criteria: Invitae Variant Classification Sherloc (09022015). Collection method: clinical testing. Allele origin: germline.
Comment: This sequence change creates a premature translational stop signal (p.Leu510Alafs*47) in the RECQL4 gene. It is expected to result in an absent or disrupted protein product. Loss-of-function variants in RECQL4 are known to be pathogenic (PMID: 12734318, 12952869). This variant is not present in population databases (gnomAD no frequency). This variant has not been reported in the literature in individuals affected with RECQL4-related conditions. For these reasons, this variant has been classified as Pathogenic.

Literature cited by the submitters: PubMed 12734318; PubMed 12952869.

NM_004260.4(RECQL4):c.1527_1530del (p.Leu510fs)

Gene: RECQL4 (RecQ like helicase 4; minus strand). Cytogenetic location: 8q24.3.
Variant type: Deletion.
Coding change: c.1527_1530del on transcript NM_004260.4 (MANE Select); coding-DNA positions 1527 to 1530, 4 bases deleted (CCTG; older notation c.1527_1530delCCTG).
Protein change: p.Leu510fs; shifts the reading frame from leucine 510.
Molecular consequence: frameshift variant. On other transcripts: non-coding transcript variant (3).
Genome position (GRCh38, 1-based): chr8:144,515,026-144,515,029, CAGG deleted on the plus strand (CCTG on the coding strand, the reverse complement: RECQL4 is on the minus strand). VCF-style (leftmost placement, unchanged base first): chr8-144515025-ACAGG-A. GRCh37 (hg19) VCF-style: chr8-145740409-ACAGG-A.
Other names: c.390_393del, p.Leu131fs (NM_001413030.1, NM_001413031.1, NM_001413032.1 and 2 more transcripts); c.1527_1530del, p.Leu510fs (NM_001413033.1, NM_001413036.1, NM_001413018.1 and 1 more transcripts); c.456_459del, p.Leu153fs (NM_001413034.1, NM_001413035.1, NM_001413037.1 and 7 more transcripts); c.1497_1500del, p.Leu500fs (NM_001413039.1); c.1431_1434del, p.Leu478fs (NM_001413017.1, NM_001413020.1); c.1398_1401del, p.Leu467fs (NM_001413025.1); c.1176_1179del, p.Leu393fs (NM_001413029.1); c.426_429del, p.Leu143fs (NM_001413042.1); and 1 more; short protein forms L131fs, L143fs, L153fs, L21fs, L393fs, L467fs, L478fs, L500fs.
Identifiers: ClinVar variation 3606603 (VCV003606603.2).